The following is an entry in ClinVar:

ClinVar aggregate classification (germline): Uncertain significance (1 of 4 stars; one submission).

gnomAD v4.1: 1 of 1,462,408 alleles (0.000068%); no homozygotes.

Submission:

Labcorp Genetics (formerly Invitae), Labcorp
Classification: Uncertain significance. Last evaluated: 2025-03-10. Review status: criteria provided, single submitter. Criteria: Invitae Variant Classification Sherloc (09022015). Collection method: clinical testing. Allele origin: germline.
Comment: This sequence change replaces threonine, which is neutral and polar, with isoleucine, which is neutral and non-polar, at codon 511 of the FSCN2 protein (p.Thr511Ile). This variant is not present in population databases (gnomAD no frequency). This variant has not been reported in the literature in individuals affected with FSCN2-related conditions. An algorithm developed to predict the effect of missense changes on protein structure and function (PolyPhen-2) suggests that this variant is likely to be tolerated. In summary, the available evidence is currently insufficient to determine the role of this variant in disease. Therefore, it has been classified as a Variant of Uncertain Significance.

NM_012418.4(FSCN2):c.1460C>T (p.Thr487Ile)

Gene: FSCN2 (fascin actin-bundling protein 2, retinal; plus strand). Cytogenetic location: 17q25.3.
Variant type: single nucleotide variant.
Coding change: c.1460C>T on transcript NM_012418.4 (MANE Select); coding-DNA position 1460, C replaced by T.
Protein change: p.Thr487Ile; replaces threonine 487 with isoleucine.
Molecular consequence: missense variant.
Genome position (GRCh38, 1-based): chr17:81,537,061, C>T. VCF-style: chr17-81537061-C-T. GRCh37 (hg19) VCF-style: chr17-79504087-C-T.
Other names: c.1532C>T, p.Thr511Ile (NM_001077182.3); short protein forms T511I, T487I.
Identifiers: ClinVar variation 4701725 (VCV004701725.1).